The following is an entry in ClinVar:

NM_198253.3(TERT):c.515G>A (p.Gly172Glu)

Gene: TERT (telomerase reverse transcriptase; minus strand). Cytogenetic location: 5p15.33.
Variant type: single nucleotide variant.
Coding change: c.515G>A on transcript NM_198253.3 (MANE Select); coding-DNA position 515, G replaced by A.
Protein change: p.Gly172Glu; replaces glycine 172 with glutamic acid.
Molecular consequence: missense variant. On other transcripts: non-coding transcript variant (2).
Genome position (GRCh38, 1-based): chr5:1,294,371, C>T on the plus strand (G>A on the coding strand, the complement: TERT is on the minus strand). VCF-style: chr5-1294371-C-T. GRCh37 (hg19) VCF-style: chr5-1294486-C-T.
Other names: c.515G>A, p.Gly172Glu (NM_001193376.3, NM_003219.1); short protein forms G172E.
Identifiers: ClinVar variation 2201179 (VCV002201179.4), dbSNP rs2478426505, ClinGen allele CA359057838.

ClinVar aggregate classification (germline): Uncertain significance (1 of 4 stars; one submission).

Conditions:
Dyskeratosis congenita, autosomal dominant 2. Identifiers: MedGen C3151443, MONDO:0013521, OMIM 613989.
Idiopathic Pulmonary Fibrosis. Also called: Idiopathic fibrosing alveolitis, chronic form; idiopathic fibrosing alveolitis. Identifiers: Orphanet 2032, MedGen C1800706, MeSH D054990, MONDO:0800504.

Submission:

Labcorp Genetics (formerly Invitae), Labcorp
Classification: Uncertain significance for Dyskeratosis congenita, autosomal dominant 2; Idiopathic Pulmonary Fibrosis. Last evaluated: 2025-12-14. Review status: criteria provided, single submitter. Criteria: Invitae Variant Classification Sherloc (09022015). Collection method: clinical testing. Allele origin: germline.
Comment: This sequence change replaces glycine, which is neutral and non-polar, with glutamic acid, which is acidic and polar, at codon 172 of the TERT protein (p.Gly172Glu). This variant is not present in population databases (gnomAD no frequency). This variant has not been reported in the literature in individuals affected with TERT-related conditions. ClinVar contains an entry for this variant (Variation ID: 2201179). Invitae Evidence Modeling of protein sequence and biophysical properties (such as structural, functional, and spatial information, amino acid conservation, physicochemical variation, residue mobility, and thermodynamic stability) indicates that this missense variant is expected to disrupt TERT protein function with a positive predictive value of 95%. In summary, the available evidence is currently insufficient to determine the role of this variant in disease. Therefore, it has been classified as a Variant of Uncertain Significance.